The following is an entry in ClinVar:

ClinVar aggregate classification (germline): Likely pathogenic (1 of 4 stars; one submission).

Conditions:
alpha Thalassemia. Also called: Alpha thalassemia spectrum. Identifiers: Orphanet 846, MedGen C0002312, MONDO:0011399, OMIM 604131.

Submission:

Natera, Inc.
Classification: Likely pathogenic for Alpha thalassemia. Last evaluated: 2024-12-23. Review status: criteria provided, single submitter. Criteria: Natera Variant Classification Schema (03/2026). Collection method: clinical testing. Allele origin: germline.
Comment: The c.34_35insGCAA variant in HBA2 is a frameshift variant predicted to shift the reading frame beginning at codon 12 and leads to a stop codon 7 codons downstream. This variant is expected to result in nonsense mediated decay, truncation, or a dysfunctional protein product. This variant is rare in the general population with a frequency below the threshold expected for the associated phenotype(s). Given the available evidence, this variant is classified as Likely Pathogenic.

NM_000517.6(HBA2):c.34_35insGCAA (p.Lys12fs)

Genes: HBA2 (hemoglobin subunit alpha 2; plus strand), LOC106804612 (hemoglobin subunit alpha 2 recombination region; plus strand). Cytogenetic location: 16p13.3.
Variant type: Insertion.
Coding change: c.34_35insGCAA on transcript NM_000517.6 (MANE Select); coding-DNA positions 34 to 35, GCAA inserted.
Protein change: p.Lys12fs; shifts the reading frame from lysine 12.
Molecular consequence: frameshift variant.
Genome position: GRCh38 VCF-style: chr16-172945-C-CAGCA. GRCh37 (hg19) VCF-style: chr16-222944-C-CAGCA.
Other names: short protein forms K12fs.
Identifiers: ClinVar variation 4818665 (VCV004818665.1).